The following is an entry in ClinVar:

ClinVar aggregate classification (germline): Uncertain significance (1 of 4 stars; one submission).

Conditions:
Severe combined immunodeficiency due to DNA-PKcs deficiency. Also called: Immunodeficiency 26 with or without neurologic abnormalities; IMMUNODEFICIENCY 26 WITH NEUROLOGIC ABNORMALITIES. Identifiers: Orphanet 317425, MedGen C4014833, MONDO:0014423, OMIM 615966.

Allele frequency attached by ClinVar (database versions not stated): gnomAD exomes below 0.00001.
gnomAD v4.1: 1 of 1,614,010 alleles (0.000062%); highest among the groups gnomAD compares: Non-Finnish European, 0.000085%; no homozygotes.

Submission:

Labcorp Genetics (formerly Invitae), Labcorp
Classification: Uncertain significance for Severe combined immunodeficiency due to DNA-PKcs deficiency. Last evaluated: 2024-10-22. Review status: criteria provided, single submitter. Criteria: Invitae Variant Classification Sherloc (09022015). Collection method: clinical testing. Allele origin: germline.
Comment: This sequence change replaces threonine, which is neutral and polar, with serine, which is neutral and polar, at codon 3268 of the PRKDC protein (p.Thr3268Ser). This variant is not present in population databases (gnomAD no frequency). This variant has not been reported in the literature in individuals affected with PRKDC-related conditions. ClinVar contains an entry for this variant (Variation ID: 2013845). Invitae Evidence Modeling of protein sequence and biophysical properties (such as structural, functional, and spatial information, amino acid conservation, physicochemical variation, residue mobility, and thermodynamic stability) indicates that this missense variant is not expected to disrupt PRKDC protein function with a negative predictive value of 80%. In summary, the available evidence is currently insufficient to determine the role of this variant in disease. Therefore, it has been classified as a Variant of Uncertain Significance.

NM_006904.7(PRKDC):c.9803C>G (p.Thr3268Ser)

Gene: PRKDC (protein kinase, DNA-activated, catalytic subunit; minus strand). Cytogenetic location: 8q11.21.
Variant type: single nucleotide variant.
Coding change: c.9803C>G on transcript NM_006904.7 (MANE Select); coding-DNA position 9803, C replaced by G.
Protein change: p.Thr3268Ser; replaces threonine 3268 with serine.
Molecular consequence: missense variant.
Genome position (GRCh38, 1-based): chr8:47,803,425, G>C on the plus strand (C>G on the coding strand, the complement: PRKDC is on the minus strand). VCF-style: chr8-47803425-G-C. GRCh37 (hg19) VCF-style: chr8-48715986-G-C.
Other names: c.9803C>G, p.Thr3268Ser (NM_001081640.2); short protein forms T3268S.
Identifiers: ClinVar variation 2013845 (VCV002013845.4), dbSNP rs2551863354, ClinGen allele CA371136804.